The following is an entry in ClinVar:

ClinVar aggregate classification (germline): Uncertain significance (1 of 4 stars; one submission).

Conditions:
Symmetrical dyschromatosis of extremities (DSH). Also called: RETICULATE ACROPIGMENTATION OF DOHI; SYMMETRIC DYSCHROMATOSIS OF THE EXTREMITIES; Dyschromatosis symmetrica hereditaria; DYSCHROMATOSIS SYMMETRICA HEREDITARIA 1. Identifiers: Orphanet 41, MedGen C0406775, MONDO:0007483, OMIM 127400.
Aicardi-Goutieres syndrome 6 (AGS6). Identifiers: Orphanet 51, MedGen C3539013, MONDO:0014007, OMIM 615010.

Allele frequency attached by ClinVar (database versions not stated): gnomAD exomes below 0.00001; ExAC 0.00001; gnomAD 0.00003; TOPMed 0.00005.

Submission:

Labcorp Genetics (formerly Invitae), Labcorp
Classification: Uncertain significance for Aicardi-Goutieres syndrome 6; Symmetrical dyschromatosis of extremities. Last evaluated: 2024-02-07. Review status: criteria provided, single submitter. Criteria: Invitae Variant Classification Sherloc (09022015). Collection method: clinical testing. Allele origin: germline.
Comment: This sequence change falls in intron 6 of the ADAR gene. It does not directly change the encoded amino acid sequence of the ADAR protein. It affects a nucleotide within the consensus splice site. This variant is present in population databases (rs778624308, gnomAD 0.008%). This variant has not been reported in the literature in individuals affected with ADAR-related conditions. ClinVar contains an entry for this variant (Variation ID: 1450016). Variants that disrupt the consensus splice site are a relatively common cause of aberrant splicing (PMID: 17576681, 9536098). Algorithms developed to predict the effect of sequence changes on RNA splicing suggest that this variant is not likely to affect RNA splicing. In summary, the available evidence is currently insufficient to determine the role of this variant in disease. Therefore, it has been classified as a Variant of Uncertain Significance.

Literature cited by the submitters: PubMed 17576681; PubMed 9536098.

NM_001111.5(ADAR):c.2270+3G>T

Gene: ADAR (adenosine deaminase RNA specific; minus strand). Cytogenetic location: 1q21.3.
Variant type: single nucleotide variant.
Coding change: c.2270+3G>T on transcript NM_001111.5 (MANE Select); 3 bases into the intron after coding-DNA position 2270, G replaced by T.
Molecular consequence: intron variant.
Genome position (GRCh38, 1-based): chr1:154,596,802, C>A on the plus strand (G>T on the coding strand, the complement: ADAR is on the minus strand). VCF-style: chr1-154596802-C-A. GRCh37 (hg19) VCF-style: chr1-154569278-C-A.
Other names: c.1385+3G>T (NM_001365046.1, NM_001025107.3, NM_001365048.1 and 3 more transcripts); c.2297+3G>T (NM_001365045.1); c.2213+3G>T (NM_015841.4); c.2270+3G>T (NM_015840.4).
Identifiers: ClinVar variation 1450016 (VCV001450016.6), dbSNP rs778624308, ClinGen allele CA1131343.
Genomic context (GRCh38, chr1:154,596,802, plus strand): 5'-TCCCTGGGTTACAGACCATCCCCAACTGGTGACACATGCATTAGCCAGGACTAGGACACT[C>A]ACTTGGGCTCGTGAGGAGGTCCGGACTGGTCGACCAACTTGAATTCAGCAGCAAAGCCAT-3'